The following is an entry in ClinVar:

NM_001009944.3(PKD1):c.4745G>A (p.Trp1582Ter)

Gene: PKD1 (polycystin 1, transient receptor potential channel interacting; minus strand). Cytogenetic location: 16p13.3.
Variant type: single nucleotide variant.
Coding change: c.4745G>A on transcript NM_001009944.3 (MANE Select); coding-DNA position 4745, G replaced by A.
Protein change: p.Trp1582Ter; replaces tryptophan 1582 with a stop codon.
Molecular consequence: nonsense.
Genome position (GRCh38, 1-based): chr16:2,110,422, C>T on the plus strand (G>A on the coding strand, the complement: PKD1 is on the minus strand). VCF-style: chr16-2110422-C-T. GRCh37 (hg19) VCF-style: chr16-2160423-C-T.
Other names: c.4745G>A, p.Trp1582Ter (NM_000296.4); short protein forms W1582*.
Identifiers: ClinVar variation 3061073 (VCV003061073.2), dbSNP rs2544818887, ClinGen allele CA394379339.

ClinVar aggregate classification (germline): Pathogenic (0 of 4 stars; one submission).

Conditions:
PKD1-related disorder. Also called: PKD1-related condition.

Submission:

PreventionGenetics, part of Exact Sciences
Classification: Pathogenic for PKD1-related condition. Last evaluated: 2024-02-08. Review status: no assertion criteria provided. Collection method: clinical testing. Allele origin: germline.
Comment: The PKD1 c.4745G>A variant is predicted to result in premature protein termination (p.Trp1582*). This variant has been reported to be pathogenic for autosomal dominant polycystic kidney disease (ADPKD) (Zhang et al. 2018. PubMed ID: 29633482; Pandita et al. 2019. PubMed ID: 30816285, Supplementary Table 2). This variant has not been reported in a large population database, indicating this variant is rare. Nonsense variants in PKD1 are expected to be pathogenic. This variant is interpreted as pathogenic.